The following is an entry in ClinVar:

ClinVar aggregate classification (germline): Uncertain significance (1 of 4 stars; one submission).

Conditions:
Hereditary pulmonary alveolar proteinosis. Also called: Pulmonary surfactant metabolism dysfunction. Identifiers: Orphanet 264675, MedGen C3711368, MONDO:0012580.

Submission:

Ambry Genetics
Classification: Uncertain significance for Hereditary pulmonary alveolar proteinosis. Last evaluated: 2024-12-13. Review status: criteria provided, single submitter. Criteria: Ambry Variant Classification Scheme 2023. Collection method: clinical testing. Allele origin: germline.
Comment: The p.E522G variant (also known as c.1565A>G), located in coding exon 10 of the ABCA3 gene, results from an A to G substitution at nucleotide position 1565. The glutamic acid at codon 522 is replaced by glycine, an amino acid with similar properties. This amino acid position is conserved. In addition, this alteration is predicted to be deleterious by in silico analysis. Based on the available evidence, the clinical significance of this variant remains unclear.

NM_001089.3(ABCA3):c.1565A>G (p.Glu522Gly)

Gene: ABCA3 (ATP binding cassette subfamily A member 3; minus strand). Cytogenetic location: 16p13.3.
Variant type: single nucleotide variant.
Coding change: c.1565A>G on transcript NM_001089.3 (MANE Select); coding-DNA position 1565, A replaced by G.
Protein change: p.Glu522Gly; replaces glutamic acid 522 with glycine.
Molecular consequence: missense variant.
Genome position (GRCh38, 1-based): chr16:2,300,051, T>C on the plus strand (A>G on the coding strand, the complement: ABCA3 is on the minus strand). VCF-style: chr16-2300051-T-C. GRCh37 (hg19) VCF-style: chr16-2350052-T-C.
Other names: short protein forms E522G.
Identifiers: ClinVar variation 3848074 (VCV003848074.1).